The following is an entry in ClinVar:

ClinVar aggregate classification (germline): Pathogenic (1 of 4 stars; one submission).

Conditions:
Primary ciliary dyskinesia 3. Identifiers: Orphanet 244, MedGen C1837618, MONDO:0012085, OMIM 608644.

Submission:

Myriad Genetics, Inc.
Classification: Pathogenic for Primary ciliary dyskinesia 3. Last evaluated: 2024-05-14. Review status: criteria provided, single submitter. Criteria: Myriad Autosomal Dominant, Autosomal Recessive and X-Linked Classification Criteria (2023). Collection method: clinical testing. Allele origin: unknown.
Comment: NM_001369.2(DNAH5):c.7777_7778ins5(G2593Afs*8) is expected to be pathogenic in the context of primary ciliary dyskinesia, DNAH5-related. This variant is predicted to lead to an abnormal or absent protein product due to the creation of a premature termination codon in DNAH5, a gene where loss-of-function variants are known to be pathogenic. Please note: this variant was assessed in the context of healthy population screening.

NM_001369.3(DNAH5):c.7777_7778insCTAAA (p.Gly2593fs)

Gene: DNAH5 (dynein axonemal heavy chain 5; minus strand). Cytogenetic location: 5p15.2.
Variant type: Insertion.
Coding change: c.7777_7778insCTAAA on transcript NM_001369.3 (MANE Select); coding-DNA positions 7777 to 7778, CTAAA inserted.
Protein change: p.Gly2593fs; shifts the reading frame from glycine 2593.
Molecular consequence: frameshift variant.
Genome position: GRCh38 VCF-style: chr5-13807700-C-CTTTAG. GRCh37 (hg19) VCF-style: chr5-13807809-C-CTTTAG.
Other names: short protein forms G2593fs.
Identifiers: ClinVar variation 5010949 (VCV005010949.1).